The following is an entry in ClinVar:

NM_020433.5(JPH2):c.1654C>T (p.Pro552Ser)

Gene: JPH2 (junctophilin 2; minus strand). Cytogenetic location: 20q13.12.
Variant type: single nucleotide variant.
Coding change: c.1654C>T on transcript NM_020433.5 (MANE Select); coding-DNA position 1654, C replaced by T.
Protein change: p.Pro552Ser; replaces proline 552 with serine.
Molecular consequence: missense variant.
Genome position (GRCh38, 1-based): chr20:44,116,021, G>A on the plus strand (C>T on the coding strand, the complement: JPH2 is on the minus strand). VCF-style: chr20-44116021-G-A. GRCh37 (hg19) VCF-style: chr20-42744661-G-A.
Other names: short protein forms P552S.
Identifiers: ClinVar variation 4705371 (VCV004705371.2).

ClinVar aggregate classification (germline): Uncertain significance. Review status: criteria provided, multiple submitters, no conflicts (2 of 4 stars). 2 submissions from 2 submitters: Uncertain significance (2). Last evaluated 2026-06-17.

Conditions:
Hypertrophic cardiomyopathy. Also called: HYPERTROPHIC MYOCARDIOPATHY. Identifiers: Orphanet 217569, MedGen C0007194, MeSH D002312, MONDO:0005045, HP:0001639.
JPH2-related disorder. Also called: JPH2-related condition.

Submissions (2):

PreventionGenetics, part of Exact Sciences
Classification: Uncertain significance for JPH2-related condition. Last evaluated: 2026-06-17. Review status: criteria provided, single submitter. Criteria: ACMG Guidelines, 2015. Collection method: clinical testing. Allele origin: germline.
Comment: The JPH2 c.1654C>T variant is predicted to result in the amino acid substitution p.Pro552Ser. To our knowledge, this variant has not been reported in the literature or in a large population database (gnomAD), indicating this variant is rare. At this time, the clinical significance of this variant is uncertain due to the absence of conclusive functional and genetic evidence.

Labcorp Genetics (formerly Invitae), Labcorp
Classification: Uncertain significance for Hypertrophic cardiomyopathy. Last evaluated: 2025-06-19. Review status: criteria provided, single submitter. Criteria: Invitae Variant Classification Sherloc (09022015). Collection method: clinical testing. Allele origin: germline.
Comment: This sequence change replaces proline, which is neutral and non-polar, with serine, which is neutral and polar, at codon 552 of the JPH2 protein (p.Pro552Ser). This variant is not present in population databases (gnomAD no frequency). This variant has not been reported in the literature in individuals affected with JPH2-related conditions. An algorithm developed to predict the effect of missense changes on protein structure and function outputs the following: PolyPhen-2: "Benign". The serine amino acid residue is found in multiple mammalian species, which suggests that this missense change does not adversely affect protein function. In summary, the available evidence is currently insufficient to determine the role of this variant in disease. Therefore, it has been classified as a Variant of Uncertain Significance.